The following is an entry in ClinVar:

NM_006767.4(LZTR1):c.1190C>G (p.Ser397Trp)

Gene: LZTR1 (leucine zipper like post translational regulator 1; plus strand). Cytogenetic location: 22q11.21.
Variant type: single nucleotide variant.
Coding change: c.1190C>G on transcript NM_006767.4 (MANE Select); coding-DNA position 1190, C replaced by G.
Protein change: p.Ser397Trp; replaces serine 397 with tryptophan.
Molecular consequence: missense variant.
Genome position (GRCh38, 1-based): chr22:20,992,834, C>G. VCF-style: chr22-20992834-C-G. GRCh37 (hg19) VCF-style: chr22-21347123-C-G.
Other names: short protein forms S397W.
Identifiers: ClinVar variation 1713729 (VCV001713729.5), dbSNP rs1241079044, ClinGen allele CA410773798.

ClinVar aggregate classification (germline): Uncertain significance (1 of 4 stars; one submission).

Submission:

Labcorp Genetics (formerly Invitae), Labcorp
Classification: Uncertain significance. Last evaluated: 2024-06-19. Review status: criteria provided, single submitter. Criteria: Invitae Variant Classification Sherloc (09022015). Collection method: clinical testing. Allele origin: germline.
Comment: This sequence change replaces serine, which is neutral and polar, with tryptophan, which is neutral and slightly polar, at codon 397 of the LZTR1 protein (p.Ser397Trp). This variant is not present in population databases (gnomAD no frequency). This variant has not been reported in the literature in individuals affected with LZTR1-related conditions. ClinVar contains an entry for this variant (Variation ID: 1713729). Advanced modeling of protein sequence and biophysical properties (such as structural, functional, and spatial information, amino acid conservation, physicochemical variation, residue mobility, and thermodynamic stability) performed at Invitae indicates that this missense variant is not expected to disrupt LZTR1 protein function with a negative predictive value of 80%. In summary, the available evidence is currently insufficient to determine the role of this variant in disease. Therefore, it has been classified as a Variant of Uncertain Significance.